The following is an entry in ClinVar:

ClinVar aggregate classification (germline): Uncertain significance (0 of 4 stars; one submission).

Conditions:
MACF1-related disorder. Also called: MACF1-related condition.

Allele frequency attached by ClinVar (database versions not stated): gnomAD exomes 0.00001; ExAC 0.00002.
gnomAD v4.1: 8 of 1,613,380 alleles (0.0005%); highest among the groups gnomAD compares: Non-Finnish European, 0.00068%; no homozygotes.

Submission:

PreventionGenetics, part of Exact Sciences
Classification: Uncertain significance for MACF1-related condition. Last evaluated: 2024-02-13. Review status: no assertion criteria provided. Collection method: clinical testing. Allele origin: germline.
Comment: The MACF1 c.7322A>G variant is predicted to result in the amino acid substitution p.Glu2441Gly. To our knowledge, this variant has not been reported in the literature. This variant is reported in 0.0027% of alleles in individuals of European (Non-Finnish) descent in gnomAD. At this time, the clinical significance of this variant is uncertain due to the absence of conclusive functional and genetic evidence.

NM_001394062.1(MACF1):c.13508A>G (p.Glu4503Gly)

Gene: MACF1 (microtubule actin crosslinking factor 1; plus strand). Cytogenetic location: 1p34.3.
Variant type: single nucleotide variant.
Coding change: c.13508A>G on transcript NM_001394062.1 (MANE Select); coding-DNA position 13508, A replaced by G.
Protein change: p.Glu4503Gly; replaces glutamic acid 4503 with glycine.
Molecular consequence: missense variant.
Genome position (GRCh38, 1-based): chr1:39,379,434, A>G. VCF-style: chr1-39379434-A-G. GRCh37 (hg19) VCF-style: chr1-39845106-A-G.
Other names: c.7322A>G, p.Glu2441Gly (NM_012090.5); short protein forms E2441G, E4503G.
Identifiers: ClinVar variation 3054008 (VCV003054008.2), dbSNP rs764826670, ClinGen allele CA782069.